The following is an entry in ClinVar:

NM_006642.5(SDCCAG8):c.675+213C>T

Gene: SDCCAG8 (SHH signaling and ciliogenesis regulator SDCCAG8; plus strand). Cytogenetic location: 1q43.
Variant type: single nucleotide variant.
Coding change: c.675+213C>T on transcript NM_006642.5 (MANE Select); 213 bases into the intron after coding-DNA position 675, C replaced by T.
Molecular consequence: intron variant. On other transcripts: missense variant (1), 5 prime UTR variant (1).
Genome position (GRCh38, 1-based): chr1:243,293,432, C>T. VCF-style: chr1-243293432-C-T. GRCh37 (hg19) VCF-style: chr1-243456734-C-T.
Other names: c.709C>T, p.Arg237Cys (NM_001350248.2); c.-665C>T (NM_001350251.2); c.381+213C>T (NM_001350249.2); c.-438+213C>T (NM_001350246.2); c.-326+213C>T (NM_001350247.2); short protein forms R237C.
Identifiers: ClinVar variation 3355662 (VCV003355662.1).
Genomic context (GRCh38, chr1:243,293,432, plus strand): 5'-TCAATCATAAACATTATCCATTTTCAGAACTTTTTGATCATCTCAAACAAAAAGTCTGGA[C>T]GTATTAAACAATATCTCCATTCCCCTCCCTGCCAACCCCTGATGACCTCTCTTCAACTTT-3'

ClinVar aggregate classification (germline): Uncertain significance (0 of 4 stars; one submission).

Conditions:
SDCCAG8-related disorder. Also called: SDCCAG8-Related Disorders; SDCCAG8-related condition.

gnomAD v4.1: 22 of 679,172 alleles (0.0032%); highest among the groups gnomAD compares: African/African-American, 0.012%; no homozygotes.

Submission:

PreventionGenetics, part of Exact Sciences
Classification: Uncertain significance for SDCCAG8-related condition. Last evaluated: 2024-09-06. Review status: no assertion criteria provided. Collection method: clinical testing. Allele origin: germline.
Comment: The SDCCAG8 c.709C>T variant is predicted to result in the amino acid substitution p.Arg237Cys. To our knowledge, this variant has not been reported in the literature. This variant would be referred to as c.675+213C>T (intronic) in the primary transcript NM_006642.3. This variant is reported in 0.0058% of alleles in individuals of European (Non-Finnish) descent in gnomAD. At this time, the clinical significance of this variant is uncertain due to the absence of conclusive functional and genetic evidence.